The following is an entry in ClinVar:

NM_002691.4(POLD1):c.611A>T (p.His204Leu)

Gene: POLD1 (DNA polymerase delta 1, catalytic subunit; plus strand). Cytogenetic location: 19q13.33.
Variant type: single nucleotide variant.
Coding change: c.611A>T on transcript NM_002691.4 (MANE Select); coding-DNA position 611, A replaced by T.
Protein change: p.His204Leu; replaces histidine 204 with leucine.
Molecular consequence: missense variant. On other transcripts: non-coding transcript variant (1).
Genome position (GRCh38, 1-based): chr19:50,402,226, A>T. VCF-style: chr19-50402226-A-T. GRCh37 (hg19) VCF-style: chr19-50905483-A-T.
Other names: c.611A>T, p.His204Leu (NM_001256849.1, NM_001308632.1); short protein forms H204L.
Identifiers: ClinVar variation 567565 (VCV000567565.8), dbSNP rs1568619926, ClinGen allele CA406973877.

ClinVar aggregate classification (germline): Uncertain significance (1 of 4 stars; one submission).

Conditions:
POLD1-related polyposis and colorectal cancer syndrome (CRCS10). Also called: Colorectal cancer 10; COLORECTAL CANCER, SUSCEPTIBILITY TO, ON CHROMOSOME 19q; Colorectal cancer, susceptibility to, 10. Identifiers: Orphanet 220460, MedGen C2675481, MONDO:0012953, OMIM 612591.

Submission:

Labcorp Genetics (formerly Invitae), Labcorp
Classification: Uncertain significance for POLD1-related polyposis and colorectal cancer syndrome. Last evaluated: 2021-02-16. Review status: criteria provided, single submitter. Criteria: Invitae Variant Classification Sherloc (09022015). Collection method: clinical testing. Allele origin: germline.
Comment: This variant has not been reported in the literature in individuals with POLD1-related disease. This variant is not present in population databases (ExAC no frequency). This sequence change replaces histidine with leucine at codon 204 of the POLD1 protein (p.His204Leu). The histidine residue is weakly conserved and there is a moderate physicochemical difference between histidine and leucine. Algorithms developed to predict the effect of missense changes on protein structure and function (SIFT, PolyPhen-2, Align-GVGD) all suggest that this variant is likely to be tolerated, but these predictions have not been confirmed by published functional studies and their clinical significance is uncertain. In summary, the available evidence is currently insufficient to determine the role of this variant in disease. Therefore, it has been classified as a Variant of Uncertain Significance.